The following is an entry in ClinVar:

ClinVar aggregate classification (germline): Benign. Review status: criteria provided, multiple submitters, no conflicts (2 of 4 stars). 5 submissions from 5 submitters: Benign (4). 1 of the submissions does not count toward it. Last evaluated 2026-02-04.

Conditions:
SCLT1-related disorder. Also called: SCLT1-related condition.

Allele frequency attached by ClinVar (database versions not stated): ESP Exome Variant Server 0.10453; TOPMed 0.11020; 1000 Genomes Project 30x 0.11056; 1000 Genomes Project 0.11422.
gnomAD v4.1: 212,842 of 1,587,734 alleles (13%); highest among the groups gnomAD compares: South Asian, 18%; 15,628 homozygotes.

Submissions (5):

Labcorp Genetics (formerly Invitae), Labcorp
Classification: Benign. Last evaluated: 2026-02-04. Review status: criteria provided, single submitter. Criteria: Invitae Variant Classification Sherloc (09022015). Collection method: clinical testing. Allele origin: germline.

Blueprint Genetics
Classification: Benign. Last evaluated: 2024-11-26. Review status: criteria provided, single submitter. Criteria: ACMG Guidelines, 2015. Collection method: clinical testing. Allele origin: germline.

Mayo Clinic Laboratories, Mayo Clinic
Classification: Benign. Last evaluated: 2022-03-09. Review status: criteria provided, single submitter. Criteria: ACMG Guidelines, 2015. Collection method: clinical testing. Allele origin: germline. Observed: 18 variant alleles.

Breakthrough Genomics
Classification: Benign. Review status: criteria provided, single submitter. Criteria: ACMG Guidelines, 2015. Collection method: not provided. Allele origin: germline. Inheritance: Unknown mechanism. Affected: yes.

PreventionGenetics, part of Exact Sciences
Classification: Benign for SCLT1-related condition. Last evaluated: 2019-11-11. Review status: no assertion criteria provided. Collection method: clinical testing. Allele origin: germline. Not counted in ClinVar's aggregate classification.
Comment: This variant is classified as benign based on ACMG/AMP sequence variant interpretation guidelines (Richards et al. 2015 PMID: 25741868, with internal and published modifications).

NM_144643.4(SCLT1):c.663C>T (p.Ile221=)

Gene: SCLT1 (sodium channel and clathrin linker 1; minus strand). Cytogenetic location: 4q28.2.
Variant type: single nucleotide variant.
Coding change: c.663C>T on transcript NM_144643.4 (MANE Select); coding-DNA position 663, C replaced by T.
Protein change: p.Ile221=; no amino-acid change (isoleucine 221 retained).
Molecular consequence: synonymous variant.
Genome position (GRCh38, 1-based): chr4:128,992,190, G>A on the plus strand (C>T on the coding strand, the complement: SCLT1 is on the minus strand). VCF-style: chr4-128992190-G-A. GRCh37 (hg19) VCF-style: chr4-129913345-G-A.
Other names: p.Ile221=; c.663C>T (NM_144643.3).
Identifiers: ClinVar variation 1166297 (VCV001166297.14), dbSNP rs13151322, ClinGen allele CA3079856.
Genomic context (GRCh38, chr4:128,992,190, plus strand): 5'-TTAACAATGAAATAATGAAACTCATTTTTGAAAATACCTAAGTTTTTTTCGGAGTTGTTC[G>A]ATTATCACACTTTGTTCAGTTACTGTTTTCAGAAACTGTTGGTTAGTCTGCCACAAGAAA-3'
Protein context (NP_653244.2, residues 211-231): LKTVTEQSVI[Ile221=]EQLRKKLRQA